The following is an entry in ClinVar:

ClinVar aggregate classification (germline): Likely benign (3 of 4 stars; one submission).

Conditions:
Mucopolysaccharidosis type 1. Also called: IDUA deficiency; MPS I. Identifiers: Orphanet 579, MedGen C0023786, MONDO:0001586.

gnomAD v4.1: 157 of 1,610,132 alleles (0.0098%); highest among the groups gnomAD compares: East Asian, 0.32%; 1 homozygote.

Submission:

ClinGen Lysosomal Storage Disorder Variant Curation Expert Panel
Classification: Likely benign for Mucopolysaccharidosis type 1. Last evaluated: 2024-12-06. Review status: reviewed by expert panel. Criteria: ClinGen LSD ACMG Specifications IDUA V1.0.0. Collection method: curation. Allele origin: germline. Inheritance: Autosomal recessive inheritance.
Comment: The NM_000203.5:c.1727+32T>A variant is located in intron 12 of IDUA. The highest population minor allele frequency in gnomAD v4.1.0 is 0.003211 (144/44840 alleles; 1 homozygote; GrpMax Filtering Allele Frequency (95% confidence) = 0.002784) in the East Asian population, which is higher than the ClinGen Lysosomal Diseases VCEP’s threshold for BS1 (>0.0025), and therefore meets this criterion (BS1). The computational splicing predictor SpliceAI suggests that the variant has no impact on splicing (all scores are <0.1) (BP4). To our knowledge, this variant has not been reported in the literature. In summary, this variant meets the criteria to be classified as likely benign for mucopolysaccharidosis type 1. IDUA-specific ACMG/AMP criteria applied, as specified by the ClinGen Lysosomal Diseases Variant Curation Expert Panel (Specifications Version 1.0.0): BS1, BP4. (Classification approved by the ClinGen Lysosomal Diseases Variant Curation Expert Panel on December 6, 2024)

NM_000203.5(IDUA):c.1727+32T>A

Gene: IDUA (alpha-L-iduronidase; plus strand). Cytogenetic location: 4p16.3.
Variant type: single nucleotide variant.
Coding change: c.1727+32T>A on transcript NM_000203.5 (MANE Select); 32 bases into the intron after coding-DNA position 1727, T replaced by A.
Molecular consequence: intron variant.
Genome position (GRCh38, 1-based): chr4:1,003,657, T>A. VCF-style: chr4-1003657-T-A. GRCh37 (hg19) VCF-style: chr4-997445-T-A.
Other names: NM_001363576.1:c.1331+32T>A; c.1331+32T>A (NM_001363576.1).
Identifiers: ClinVar variation 3544355 (VCV003544355.1).
Genomic context (GRCh38, chr4:1,003,657, plus strand): 5'-GTCTGGTCGGATGAACACGTGGGCTCCAAGTGCGTGAGTGGGGCCGCCCCTCCCTCTGCC[T>A]GGTCCTAGGCAGGTCCCTGGGTCCCGACCCCTTCACCCATGCGGTCACTCGGGCCACTTG-3'